The following is an entry in ClinVar:

NM_001035.3(RYR2):c.13739C>T (p.Thr4580Met)

Gene: RYR2 (ryanodine receptor 2; plus strand). Cytogenetic location: 1q43.
Variant type: single nucleotide variant.
Coding change: c.13739C>T on transcript NM_001035.3 (MANE Select); coding-DNA position 13739, C replaced by T.
Protein change: p.Thr4580Met; replaces threonine 4580 with methionine.
Molecular consequence: missense variant.
Genome position (GRCh38, 1-based): chr1:237,792,280, C>T. VCF-style: chr1-237792280-C-T. GRCh37 (hg19) VCF-style: chr1-237955580-C-T.
Other names: short protein forms T4580M.
Identifiers: ClinVar variation 922397 (VCV000922397.15), dbSNP rs1658469199, ClinGen allele CA345417636.

ClinVar aggregate classification (germline): Uncertain significance. Review status: criteria provided, multiple submitters, no conflicts (2 of 4 stars). 2 submissions from 2 submitters: Uncertain significance (2). Last evaluated 2025-03-16.

Conditions:
Cardiomyopathy (CMYO). Also called: Cardiomyopathies. Identifiers: Orphanet 167848, MedGen C0878544, MONDO:0004994, HP:0001638. Inheritance: Various modes of inheritance.
Catecholaminergic polymorphic ventricular tachycardia 1. Also called: VENTRICULAR TACHYCARDIA, CATECHOLAMINERGIC POLYMORPHIC, 1, WITH OR WITHOUT ATRIAL DYSFUNCTION AND/OR DILATED CARDIOMYOPATHY; RYR2-Related Catecholaminergic Polymorphic Ventricular Tachycardia; VENTRICULAR TACHYCARDIA, STRESS-INDUCED POLYMORPHIC 1. Identifiers: Orphanet 3286, MedGen C1631597, MONDO:0011484, OMIM 604772.

Allele frequency attached by ClinVar (database versions not stated): gnomAD exomes below 0.00001.
gnomAD v4.1: 3 of 1,612,622 alleles (0.00019%); highest among the groups gnomAD compares: Non-Finnish European, 0.00025%; no homozygotes.

Submissions (2):

Labcorp Genetics (formerly Invitae), Labcorp
Classification: Uncertain significance for Catecholaminergic polymorphic ventricular tachycardia 1. Last evaluated: 2025-03-16. Review status: criteria provided, single submitter. Criteria: Invitae Variant Classification Sherloc (09022015). Collection method: clinical testing. Allele origin: germline.
Comment: This sequence change replaces threonine, which is neutral and polar, with methionine, which is neutral and non-polar, at codon 4580 of the RYR2 protein (p.Thr4580Met). This variant is not present in population databases (gnomAD no frequency). This variant has not been reported in the literature in individuals affected with RYR2-related conditions. ClinVar contains an entry for this variant (Variation ID: 922397). Invitae Evidence Modeling of protein sequence and biophysical properties (such as structural, functional, and spatial information, amino acid conservation, physicochemical variation, residue mobility, and thermodynamic stability) indicates that this missense variant is expected to disrupt RYR2 protein function with a positive predictive value of 95%. In summary, the available evidence is currently insufficient to determine the role of this variant in disease. Therefore, it has been classified as a Variant of Uncertain Significance.

Color Diagnostics, LLC DBA Color Health
Classification: Uncertain significance for Cardiomyopathy. Last evaluated: 2024-03-06. Review status: criteria provided, single submitter. Criteria: ACMG Guidelines, 2015. Collection method: clinical testing. Allele origin: germline.
Comment: This variant is located in the RYR2 protein. Computational prediction suggests that this variant may have deleterious impact on protein structure and function (internally defined REVEL score threshold >= 0.7, PMID: 27666373). To our knowledge, functional studies have not been reported for this variant. This variant has not been reported in individuals affected with cardiovascular disorders in the literature. This variant has not been identified in the general population by the Genome Aggregation Database (gnomAD). The available evidence is insufficient to determine the role of this variant in disease conclusively. Therefore, this variant is classified as a Variant of Uncertain Significance.